The following is an entry in ClinVar:

ClinVar aggregate classification (germline): Uncertain significance (1 of 4 stars; one submission).

gnomAD v4.1: 24 of 1,613,640 alleles (0.0015%); highest among the groups gnomAD compares: Non-Finnish European, 0.002%; no homozygotes.

Submission:

Women's Health and Genetics/Laboratory Corporation of America, LabCorp
Classification: Uncertain significance. Last evaluated: 2026-04-06. Review status: criteria provided, single submitter. Criteria: LabCorp Variant Classification Summary - May 2015. Collection method: clinical testing. Allele origin: germline.
Comment: Variant summary: CYLD c.1273A>G (p.Lys425Glu) results in a conservative amino acid change in the encoded protein sequence. Algorithms developed to predict the effect of missense changes on protein structure and function are either unavailable or do not agree on the potential impact of this missense change. The variant allele was found at a frequency of 1.2e-05 in 249302 control chromosomes. The available data on variant occurrences in the general population are insufficient to allow any conclusion about variant significance. c.1273A>G has been observed in an amyotrophic lateral sclerosis cohort without specific clinical details anf evidence for causality (Dobson-Stone_2020). These report(s) do not provide unequivocal conclusions about association of the variant with CYLD-Related Disorders. To our knowledge, no experimental evidence demonstrating an impact on protein function has been reported. The following publication have been ascertained in the context of this evaluation (PMID: 32185393). No submitters have cited clinical-significance assessments for this variant to ClinVar. Based on the evidence outlined above, the variant was classified as uncertain significance.

Literature cited by the submitters: PubMed 32185393.

NM_001378743.1(CYLD):c.1273A>G (p.Lys425Glu)

Gene: CYLD (CYLD lysine 63 deubiquitinase; plus strand). Cytogenetic location: 16q12.1.
Variant type: single nucleotide variant.
Coding change: c.1273A>G on transcript NM_001378743.1 (MANE Select); coding-DNA position 1273, A replaced by G.
Protein change: p.Lys425Glu; replaces lysine 425 with glutamic acid.
Molecular consequence: missense variant. On other transcripts: non-coding transcript variant (1).
Genome position (GRCh38, 1-based): chr16:50,779,799, A>G. VCF-style: chr16-50779799-A-G. GRCh37 (hg19) VCF-style: chr16-50813710-A-G.
Other names: c.1264A>G, p.Lys422Glu (NM_001042355.2, NM_001042412.3, NM_001378744.1 and 6 more transcripts); c.1234A>G, p.Lys412Glu (NM_001378751.1, NM_001378752.1, NM_001378753.1); c.598A>G, p.Lys200Glu (NM_001378754.1, NM_001378755.1); c.1273A>G, p.Lys425Glu (NM_015247.3); short protein forms K200E, K412E, K422E, K425E.
Identifiers: ClinVar variation 4848869 (VCV004848869.1).